The following is an entry in ClinVar:

NM_024675.4(PALB2):c.3080T>C (p.Leu1027Pro)

Gene: PALB2 (partner and localizer of BRCA2; minus strand). Cytogenetic location: 16p12.2.
Variant type: single nucleotide variant.
Coding change: c.3080T>C on transcript NM_024675.4 (MANE Select); coding-DNA position 3080, T replaced by C.
Protein change: p.Leu1027Pro; replaces leucine 1027 with proline.
Molecular consequence: missense variant.
Genome position (GRCh38, 1-based): chr16:23,621,395, A>G on the plus strand (T>C on the coding strand, the complement: PALB2 is on the minus strand). VCF-style: chr16-23621395-A-G. GRCh37 (hg19) VCF-style: chr16-23632716-A-G.
Other names: c.3080T>C (NM_024675.3); short protein forms L1027P.
Identifiers: ClinVar variation 1415439 (VCV001415439.8), dbSNP rs2142326618, ClinGen allele CA395142908.
Genomic context (GRCh38, chr16:23,621,395, plus strand): 5'-AACTGAGGACCTAGAGGGAAAGCTTACCAAATAACAATGTTGTTCATAATAGTAGTACCA[A>G]GCAGAGCTTCTTGCATCCCTTGGACCTCAGCAAAAGTTAGTATAGTCTCCTCAGGGGGCA-3'
Protein context (NP_078951.2, residues 1017-1037): AEVQGMQEAL[Leu1027Pro]GTTIMNNIVI

ClinVar aggregate classification (germline): Uncertain significance. Review status: criteria provided, multiple submitters, no conflicts (2 of 4 stars). 2 submissions from 2 submitters: Uncertain significance (2). Last evaluated 2025-09-29.

Conditions:
Hereditary cancer-predisposing syndrome. Also called: Hereditary Cancer Syndrome; Tumor predisposition; Hereditary neoplastic syndrome; Neoplastic Syndromes, Hereditary. Identifiers: Orphanet 140162, MedGen C0027672, MeSH D009386, MONDO:0015356.
Familial cancer of breast. Also called: BREAST CANCER, FAMILIAL; Hereditary breast cancer; hereditary breast carcinoma. Identifiers: Orphanet 227535, MedGen C0346153, MONDO:0016419, OMIM 114480. Disease mechanism: loss of function.

Submissions (2):

Ambry Genetics
Classification: Uncertain significance for Hereditary cancer-predisposing syndrome. Last evaluated: 2025-09-29. Review status: criteria provided, single submitter. Criteria: Ambry Variant Classification Scheme 2023. Collection method: clinical testing. Allele origin: germline.
Comment: The p.L1027P variant (also known as c.3080T>C), located in coding exon 10 of the PALB2 gene, results from a T to C substitution at nucleotide position 3080. The leucine at codon 1027 is replaced by proline, an amino acid with similar properties. This amino acid position is conserved. In addition, the in silico prediction for this alteration is inconclusive. Based on the available evidence, the clinical significance of this variant remains unclear.

Labcorp Genetics (formerly Invitae), Labcorp
Classification: Uncertain significance for Familial cancer of breast. Last evaluated: 2021-11-15. Review status: criteria provided, single submitter. Criteria: Invitae Variant Classification Sherloc (09022015). Collection method: clinical testing. Allele origin: germline.
Comment: In summary, the available evidence is currently insufficient to determine the role of this variant in disease. Therefore, it has been classified as a Variant of Uncertain Significance. Algorithms developed to predict the effect of missense changes on protein structure and function (SIFT, PolyPhen-2, Align-GVGD) all suggest that this variant is likely to be disruptive. This variant has not been reported in the literature in individuals affected with PALB2-related conditions. This variant is not present in population databases (gnomAD no frequency). This sequence change replaces leucine, which is neutral and non-polar, with proline, which is neutral and non-polar, at codon 1027 of the PALB2 protein (p.Leu1027Pro).